The following is an entry in ClinVar:

NM_015102.5(NPHP4):c.3806A>G (p.Gln1269Arg)

Gene: NPHP4 (nephrocystin 4; minus strand). Cytogenetic location: 1p36.31.
Variant type: single nucleotide variant.
Coding change: c.3806A>G on transcript NM_015102.5 (MANE Select); coding-DNA position 3806, A replaced by G.
Protein change: p.Gln1269Arg; replaces glutamine 1269 with arginine.
Molecular consequence: missense variant. On other transcripts: non-coding transcript variant (1).
Genome position (GRCh38, 1-based): chr1:5,865,112, T>C on the plus strand (A>G on the coding strand, the complement: NPHP4 is on the minus strand). VCF-style: chr1-5865112-T-C. GRCh37 (hg19) VCF-style: chr1-5925172-T-C.
Other names: c.2267A>G, p.Gln756Arg (NM_001291593.2); c.2270A>G, p.Gln757Arg (NM_001291594.2); short protein forms Q1269R, Q757R, Q756R.
Identifiers: ClinVar variation 4986807 (VCV004986807.1).

ClinVar aggregate classification (germline): Uncertain significance (1 of 4 stars; one submission).

Conditions:
NPHP4-related disorder. Also called: NPHP4-related condition; NPHP4-related disorders. Identifiers: MedGen CN239384.

gnomAD v4.1: 5 of 1,613,632 alleles (0.00031%); highest among the groups gnomAD compares: South Asian, 0.0022%; no homozygotes.

Submission:

PreventionGenetics, part of Exact Sciences
Classification: Uncertain significance for NPHP4-related condition. Last evaluated: 2026-08-27. Review status: criteria provided, single submitter. Criteria: ACMG Guidelines, 2015. Collection method: clinical testing. Allele origin: germline.
Comment: The NPHP4 c.3806A>G variant is predicted to result in the amino acid substitution p.Gln1269Arg. To our knowledge, this variant has not been reported in the literature. This variant is reported in 0.0033% of alleles in individuals of South Asian descent in gnomAD. At this time, the clinical significance of this variant is uncertain due to the absence of conclusive functional and genetic evidence.